The following is an entry in ClinVar:

NM_020937.4(FANCM):c.845A>G (p.His282Arg)

Gene: FANCM (FA complementation group M; plus strand). Cytogenetic location: 14q21.2.
Variant type: single nucleotide variant.
Coding change: c.845A>G on transcript NM_020937.4 (MANE Select); coding-DNA position 845, A replaced by G.
Protein change: p.His282Arg; replaces histidine 282 with arginine.
Molecular consequence: missense variant.
Genome position (GRCh38, 1-based): chr14:45,148,922, A>G. VCF-style: chr14-45148922-A-G. GRCh37 (hg19) VCF-style: chr14-45618125-A-G.
Other names: c.767A>G, p.His256Arg (NM_001308133.2); c.845A>G, p.His282Arg (NM_001308134.2); short protein forms H256R, H282R.
Identifiers: ClinVar variation 3610732 (VCV003610732.2).

ClinVar aggregate classification (germline): Uncertain significance (1 of 4 stars; one submission).

Conditions:
Fanconi anemia (FA). Also called: Fanconi's anemia. Identifiers: Orphanet 84, MedGen C0015625, MeSH D005199, MONDO:0019391.

gnomAD v4.1: 4 of 1,604,058 alleles (0.00025%); highest among the groups gnomAD compares: Non-Finnish European, 0.00034%; no homozygotes.

Submission:

Labcorp Genetics (formerly Invitae), Labcorp
Classification: Uncertain significance for Fanconi anemia. Last evaluated: 2024-02-04. Review status: criteria provided, single submitter. Criteria: Invitae Variant Classification Sherloc (09022015). Collection method: clinical testing. Allele origin: germline.
Comment: This sequence change replaces histidine, which is basic and polar, with arginine, which is basic and polar, at codon 282 of the FANCM protein (p.His282Arg). This variant is present in population databases (no rsID available, gnomAD 0.002%). This variant has not been reported in the literature in individuals affected with FANCM-related conditions. An algorithm developed to predict the effect of missense changes on protein structure and function (PolyPhen-2) suggests that this variant is likely to be tolerated. In summary, the available evidence is currently insufficient to determine the role of this variant in disease. Therefore, it has been classified as a Variant of Uncertain Significance.